The following is an entry in ClinVar:

ClinVar aggregate classification (germline): Uncertain significance (1 of 4 stars; one submission).

Submission:

GeneDx
Classification: Uncertain significance. Last evaluated: 2025-04-26. Review status: criteria provided, single submitter. Criteria: GeneDx Variant Classification Process June 2021. Collection method: clinical testing. Allele origin: germline. Affected: yes.
Comment: Not observed at significant frequency in large population cohorts (gnomAD); In silico analysis supports that this missense variant has a deleterious effect on protein structure/function; Has not been previously published as pathogenic or benign to our knowledge

NM_001999.4(FBN2):c.2848G>A (p.Gly950Ser)

Gene: FBN2 (fibrillin 2; minus strand). Cytogenetic location: 5q23.3.
Variant type: single nucleotide variant.
Coding change: c.2848G>A on transcript NM_001999.4 (MANE Select); coding-DNA position 2848, G replaced by A.
Protein change: p.Gly950Ser; replaces glycine 950 with serine.
Molecular consequence: missense variant.
Genome position (GRCh38, 1-based): chr5:128,349,970, C>T on the plus strand (G>A on the coding strand, the complement: FBN2 is on the minus strand). VCF-style: chr5-128349970-C-T. GRCh37 (hg19) VCF-style: chr5-127685662-C-T.
Other names: short protein forms G950S.
Identifiers: ClinVar variation 4527801 (VCV004527801.1).
Genomic context (GRCh38, chr5:128,349,970, plus strand): 5'-CTGCTCAAAAGATGTATAGTATCTTCCAAGGAAGGATACACTCACCTTCACACGTAACAC[C>T]TTTAATCCTGGCAAGCCCTCTTGGGCAAGCTGTATCTGTAACAACAACAGGACAAATTTT-3'
Protein context (NP_001990.2, residues 940-960): ACPRGLARIK[Gly950Ser]VTCEDVNECE